The following is an entry in ClinVar:

NM_033380.3(COL4A5):c.3827G>A (p.Gly1276Asp)

Gene: COL4A5 (collagen type IV alpha 5 chain; plus strand). Cytogenetic location: Xq22.3.
Variant type: single nucleotide variant.
Coding change: c.3827G>A on transcript NM_033380.3 (MANE Select); coding-DNA position 3827, G replaced by A.
Protein change: p.Gly1276Asp; replaces glycine 1276 with aspartic acid.
Molecular consequence: missense variant.
Genome position (GRCh38, 1-based): chrX:108,677,518, G>A. VCF-style: chrX-108677518-G-A. GRCh37 (hg19) VCF-style: chrX-107920748-G-A.
Other names: c.3809G>A (NM_000495.4); c.3809G>A, p.Gly1270Asp (NM_000495.5); short protein forms G1270D, G1276D.
Identifiers: ClinVar variation 1066898 (VCV001066898.8), dbSNP rs2147974833, ClinGen allele CA413850147.
Genomic context (GRCh38, chrX:108,677,518, plus strand): 5'-AACACTATACTGAAATGTCGTCATTTGCTGTGGATTATTAAGGTCTACCAGGTCCAGAAG[G>A]TCCTCCAGGTCTCCCTGGAAATGGAGGTATTAAAGGAGAGAAGGGAAATCCAGGCCAACC-3'
Protein context (NP_203699.1, residues 1266-1286): TGFQGLPGPE[Gly1276Asp]PPGLPGNGGI

ClinVar aggregate classification (germline): Pathogenic/Likely pathogenic. Review status: criteria provided, multiple submitters, no conflicts (2 of 4 stars). 2 submissions from 2 submitters: Pathogenic (1); Likely pathogenic (1). Last evaluated 2025-11-17.

Conditions:
COL4A5-related disorder. Also called: COL4A5-related condition.

Submissions (2):

Labcorp Genetics (formerly Invitae), Labcorp
Classification: Pathogenic. Last evaluated: 2025-11-17. Review status: criteria provided, single submitter. Criteria: Invitae Variant Classification Sherloc (09022015). Collection method: clinical testing. Allele origin: germline.
Comment: This sequence change replaces glycine, which is neutral and non-polar, with aspartic acid, which is acidic and polar, at codon 1270 of the COL4A5 protein (p.Gly1270Asp). This variant is not present in population databases (gnomAD no frequency). This missense change has been observed in individual(s) with clinical features of Alport syndrome (internal data). ClinVar contains an entry for this variant (Variation ID: 1066898). Invitae Evidence Modeling of protein sequence and biophysical properties (such as structural, functional, and spatial information, amino acid conservation, physicochemical variation, residue mobility, and thermodynamic stability) indicates that this missense variant is expected to disrupt COL4A5 protein function with a positive predictive value of 95%. This variant disrupts the triple helix domain of COL4A5. Glycine residues within the Gly-Xaa-Yaa repeats of the triple helix domain are required for the structure and stability of fibrillar collagens (PMID: 7695699, 8218237, 19344236). In COL4A5, missense variants at these glycine residues are significantly enriched in individuals with disease (PMID: 23720012, 27627812) compared to the general population (ExAC). This variant disrupts the p.Gly1270 amino acid residue in COL4A5. Other variant(s) that disrupt this residue have been observed in individuals with COL4A5-related conditions (PMID: 11462238; internal data), which suggests that this may be a clinically significant amino acid residue. For these reasons, this variant has been classified as Pathogenic.

PreventionGenetics, part of Exact Sciences
Classification: Likely pathogenic for COL4A5-related condition. Last evaluated: 2025-04-19. Review status: criteria provided, single submitter. Criteria: ACMG Guidelines, 2015. Collection method: clinical testing. Allele origin: germline.
Comment: The COL4A5 c.3809G>A variant is predicted to result in the amino acid substitution p.Gly1270Asp. To our knowledge, this variant has not been reported in the literature. The p.Gly1270 residue is located in the triple-helical region (residues 42 – 1456) of the COL4A5 protein. The majority of pathogenic variants in COL4A5 substitute a glycine residue to a bulkier amino acid in the triple-helical domain (Hudson et al. 1993. PubMed ID: 8253711). Alternate substitutions of this amino acid residue (p.Gly1270Arg, p.Gly1270Ser, p.Gly1270Ala) have been reported in individuals with Alport syndrome (Kim et al. 2023. PubMed ID: 37100867; Boeckhaus et al. 2020. PubMed ID: 33040356; Yuan et al. 2023. PubMed ID: 36130833). This variant is absent in a large population database (gnomAD), indicating this variant is rare. This variant is interpreted as likely pathogenic.

Literature cited by the submitters: PubMed 7695699 (cited by Labcorp Genetics (formerly Invitae), Labcorp); PubMed 8218237 (cited by Labcorp Genetics (formerly Invitae), Labcorp); PubMed 19344236 (cited by Labcorp Genetics (formerly Invitae), Labcorp); PubMed 23720012 (cited by Labcorp Genetics (formerly Invitae), Labcorp); PubMed 27627812 (cited by Labcorp Genetics (formerly Invitae), Labcorp); PubMed 11462238 (cited by Labcorp Genetics (formerly Invitae), Labcorp).